The following is an entry in ClinVar:

ClinVar aggregate classification (germline): Likely pathogenic. Review status: reviewed by expert panel (3 of 4 stars). 3 submissions from 3 submitters: Likely pathogenic (1). 2 of the submissions do not count toward it. Last evaluated 2019-05-04.

Conditions:
Phenylketonuria (PKU). Also called: Phenylketonuria (PKU); Phenylketonurias; OLIGOPHRENIA PHENYLPYRUVICA; FOLLING DISEASE. Identifiers: Orphanet 716, MedGen C0031485, MONDO:0009861, OMIM 261600. Disease mechanism: loss of function.

Submissions (3):

ClinGen PAH Variant Curation Expert Panel
Classification: Likely pathogenic for Phenylketonuria. Last evaluated: 2019-05-04. Review status: reviewed by expert panel. Criteria: ClinGen PAH ACMG Specifications v1. Collection method: curation. Allele origin: germline. Inheritance: Autosomal recessive inheritance.
Comment: The c.1092_1106del (p.Leu365_Leu369del) variant in PAH has been reported in 1 individual with PKU (PP4; PMID: 1363837) in trans with pathogenic variant p.R408W (PM3). This variant is absent in population databases (PM2). This variant is a 15 bp in-frame deletion in exon 11 (PM4). In summary, this variant meets criteria to be classified as likely pathogenic for PAH. PAH-specific ACMG/AMP criteria applied: PP4, PM2, PM3, PM4.

OMIM
Classification: Pathogenic for PHENYLKETONURIA. Last evaluated: 1992-12-01. Review status: no assertion criteria provided. Collection method: literature only. Allele origin: germline. Not counted in ClinVar's aggregate classification.

DeBelle Laboratory for Biochemical Genetics, MUHC/MCH RESEARCH INSTITUTE
No classification provided. Review status: no classification provided. Collection method: not provided. Allele origin: not provided. Not counted in ClinVar's aggregate classification.

Literature cited by the submitters: PubMed 1363837 (cited by ClinGen PAH Variant Curation Expert Panel and OMIM).

NM_000277.3(PAH):c.1092_1106del (p.Leu365_Leu369del)

Gene: PAH (phenylalanine hydroxylase; minus strand). Cytogenetic location: 12q23.2.
Variant type: Deletion.
Coding change: c.1092_1106del on transcript NM_000277.3 (MANE Select); coding-DNA positions 1092 to 1106, 15 bases deleted (TCTCCCCCTGGAGCT).
Protein change: p.Leu365_Leu369del.
Molecular consequence: inframe deletion.
Genome position (GRCh38, 1-based): chr12:102,843,739-102,843,753, AGCTCCAGGGGGAGA deleted on the plus strand (TCTCCCCCTGGAGCT on the coding strand, the reverse complement: PAH is on the minus strand); deleting any 15 consecutive bases within chr12:102,843,739-102,843,757 gives the same sequence; the c. name uses the placement nearest the transcript's 3' end. VCF-style (leftmost placement, unchanged base first): chr12-102843738-CAGCTCCAGGGGGAGA-C. GRCh37 (hg19) VCF-style: chr12-103237516-CAGCTCCAGGGGGAGA-C.
Other names: c.1092_1106del, p.Leu365_Leu369del (NM_001354304.2).
Identifiers: ClinVar variation 620 (VCV000000620.83), dbSNP rs62516097, ClinGen allele CA229339.
Genomic context (GRCh38, chr12:102,843,738, plus strand): 5'-TGCCACGTAATAGAGGGGCTGGAACTCCGTGACAGTGTAATTTTGGATGGCTGTCTTCTC[CAGCTCCAGGGGGAGA>C]AGCTTTGGCTTCTCTGATAAGCAGTACTGTAGGCCCCAAGTGAAAAGTTATTATCACTGT-3'